The following is an entry in ClinVar:

ClinVar aggregate classification (germline): Uncertain significance (1 of 4 stars; one submission).

Conditions:
Oculofaciocardiodental syndrome (MCOPS2). Identifiers: Orphanet 2712, MedGen C1846265, MONDO:0010261, OMIM 300166.

Allele frequency attached by ClinVar (database versions not stated): gnomAD 0.00001; gnomAD exomes 0.00003.
gnomAD v4.1: 29 of 1,207,593 alleles (0.0024%); highest among the groups gnomAD compares: Non-Finnish European, 0.0031%; no homozygotes.

Submission:

Labcorp Genetics (formerly Invitae), Labcorp
Classification: Uncertain significance for Oculofaciocardiodental syndrome. Last evaluated: 2024-09-15. Review status: criteria provided, single submitter. Criteria: Invitae Variant Classification Sherloc (09022015). Collection method: clinical testing. Allele origin: germline.
Comment: This sequence change replaces arginine, which is basic and polar, with lysine, which is basic and polar, at codon 1031 of the BCOR protein (p.Arg1031Lys). This variant is not present in population databases (gnomAD no frequency). This variant has not been reported in the literature in individuals affected with BCOR-related conditions. ClinVar contains an entry for this variant (Variation ID: 999256). An algorithm developed to predict the effect of missense changes on protein structure and function (PolyPhen-2) suggests that this variant is likely to be tolerated. In summary, the available evidence is currently insufficient to determine the role of this variant in disease. Therefore, it has been classified as a Variant of Uncertain Significance.

NM_001123385.2(BCOR):c.3092G>A (p.Arg1031Lys)

Gene: BCOR (BCL6 corepressor; minus strand). Cytogenetic location: Xp11.4.
Variant type: single nucleotide variant.
Coding change: c.3092G>A on transcript NM_001123385.2 (MANE Select); coding-DNA position 3092, G replaced by A.
Protein change: p.Arg1031Lys; replaces arginine 1031 with lysine.
Molecular consequence: missense variant.
Genome position (GRCh38, 1-based): chrX:40,071,119, C>T on the plus strand (G>A on the coding strand, the complement: BCOR is on the minus strand). VCF-style: chrX-40071119-C-T. GRCh37 (hg19) VCF-style: chrX-39930372-C-T.
Other names: c.3092G>A, p.Arg1031Lys (NM_001123383.2, NM_017745.6); c.3038G>A, p.Arg1013Lys (NM_001123384.2); short protein forms R1013K, R1031K.
Identifiers: ClinVar variation 999256 (VCV000999256.8), dbSNP rs755537147, ClinGen allele CA327990694.